The following is an entry in ClinVar:

NM_000138.5(FBN1):c.6590A>C (p.Glu2197Ala)

Gene: FBN1 (fibrillin 1; minus strand). Cytogenetic location: 15q21.1.
Variant type: single nucleotide variant.
Coding change: c.6590A>C on transcript NM_000138.5 (MANE Select); coding-DNA position 6590, A replaced by C.
Protein change: p.Glu2197Ala; replaces glutamic acid 2197 with alanine.
Molecular consequence: missense variant.
Genome position (GRCh38, 1-based): chr15:48,434,620, T>G on the plus strand (A>C on the coding strand, the complement: FBN1 is on the minus strand). VCF-style: chr15-48434620-T-G. GRCh37 (hg19) VCF-style: chr15-48726817-T-G.
Other names: short protein forms E2197A.
Identifiers: ClinVar variation 919296 (VCV000919296.12), dbSNP rs763165301, ClinGen allele CA392334742.

ClinVar aggregate classification (germline): Uncertain significance. Review status: criteria provided, multiple submitters, no conflicts (2 of 4 stars). 4 submissions from 4 submitters: Uncertain significance (4). Last evaluated 2024-03-06.

Conditions:
Familial thoracic aortic aneurysm and aortic dissection (TAAD). Also called: Thoracic aortic aneurysms and dissections. Identifiers: Orphanet 91387, MedGen C4707243, MONDO:0019625.
Weill-Marchesani syndrome 2, dominant. Also called: FBN1-Related Weill-Marchesani Syndrome; Weill-Marchesani Syndrome, Autosomal Dominant. Identifiers: Orphanet 2084, MedGen C1869115, MONDO:0012013, OMIM 608328.
Progeroid and marfanoid aspect-lipodystrophy syndrome. Also called: MARFANOID-PROGEROID SYNDROME; MARFAN-PROGEROID-LIPODYSTROPHY SYNDROME; Marfan lipodystrophy syndrome; MARFANOID-PROGEROID-LIPODYSTROPHY SYNDROME. Identifiers: Orphanet 300382, MedGen C4310796, MONDO:0014831, OMIM 616914.
Acromicric dysplasia (ACMICD). Also called: Acromicric skeletal dysplasia. Identifiers: Orphanet 969, MedGen C0265287, MONDO:0007055, OMIM 102370.
Ectopia lentis 1, isolated, autosomal dominant (ECTOL1). Identifiers: Orphanet 1885, MedGen C3541518, MONDO:0007514, OMIM 129600.
Geleophysic dysplasia 2 (GPHYSD2). Identifiers: Orphanet 2623, MedGen C3280054, MONDO:0013612, OMIM 614185.
Marfan syndrome (MFS). Also called: Marfan syndrome, classic; Marfan syndrome type 1; Marfan's syndrome; FBN1-Related Marfan Syndrome; MARFAN SYNDROME, TYPE I. Identifiers: Orphanet 284963, Orphanet 558, MedGen C0024796, MONDO:0007947, OMIM 154700.
MASS syndrome (OCTD). Also called: OVERLAP CONNECTIVE TISSUE DISEASE; MASS PHENOTYPE. Identifiers: MedGen C1858556, MONDO:0011431, OMIM 604308.
Stiff skin syndrome (SSKS). Identifiers: Orphanet 2833, MedGen C1861456, MONDO:0008492, OMIM 184900.

Submissions (4):

Color Diagnostics, LLC DBA Color Health
Classification: Uncertain significance for Familial thoracic aortic aneurysm and aortic dissection. Last evaluated: 2024-03-06. Review status: criteria provided, single submitter. Criteria: ACMG Guidelines, 2015. Collection method: clinical testing. Allele origin: germline.
Comment: This missense variant replaces glutamic acid with alanine at codon 2197 of the FBN1 protein. Computational prediction tool suggests that this variant may have deleterious impact on protein structure and function (internally defined REVEL score threshold >=0.7, PMID: 27666373). Splice site prediction tools suggest that this variant may not impact RNA splicing. To our knowledge, functional studies have not been performed for this variant. This variant has not been reported in individuals affected with cardiovascular disorders in the literature. This variant has not been identified in the general population by the Genome Aggregation Database (gnomAD). The available evidence is insufficient to determine the role of this variant in disease conclusively. Therefore, this variant is classified as a Variant of Uncertain Significance.

GeneDx
Classification: Uncertain significance. Last evaluated: 2024-01-23. Review status: criteria provided, single submitter. Criteria: GeneDx Variant Classification Process June 2021. Collection method: clinical testing. Allele origin: germline. Affected: yes.
Comment: Has not been previously published as pathogenic or benign to our knowledge; Not observed at significant frequency in large population cohorts (gnomAD); Although located in a calcium-binding EGF-like domain of the FBN1 gene, it does not affect a cysteine residue within this domain; cysteine substitutions in the calcium-binding EGF-like domains represent the majority of pathogenic missense changes associated with FBN1-related disorders (PMID: 12938084); In silico analysis supports that this missense variant has a deleterious effect on protein structure/function; This variant is associated with the following publications: (PMID: 12938084)

Fulgent Genetics
Classification: Uncertain significance for Acromicric dysplasia; Ectopia lentis 1, isolated, autosomal dominant; Marfan syndrome; Stiff skin syndrome; MASS syndrome; Weill-Marchesani syndrome 2, dominant; Geleophysic dysplasia 2; Progeroid and marfanoid aspect-lipodystrophy syndrome. Last evaluated: 2021-09-16. Review status: criteria provided, single submitter. Criteria: ACMG Guidelines, 2015. Collection method: clinical testing. Allele origin: unknown.

Labcorp Genetics (formerly Invitae), Labcorp
Classification: Uncertain significance for Marfan syndrome; Familial thoracic aortic aneurysm and aortic dissection. Last evaluated: 2021-08-28. Review status: criteria provided, single submitter. Criteria: Invitae Variant Classification Sherloc (09022015). Collection method: clinical testing. Allele origin: germline.
Comment: In summary, the available evidence is currently insufficient to determine the role of this variant in disease. Therefore, it has been classified as a Variant of Uncertain Significance. Algorithms developed to predict the effect of missense changes on protein structure and function are either unavailable or do not agree on the potential impact of this missense change (SIFT: "Deleterious"; PolyPhen-2: "Probably Damaging"; Align-GVGD: "Class C0"). ClinVar contains an entry for this variant (Variation ID: 919296). This variant has not been reported in the literature in individuals affected with FBN1-related conditions. This variant is not present in population databases (ExAC no frequency). This sequence change replaces glutamic acid with alanine at codon 2197 of the FBN1 protein (p.Glu2197Ala). The glutamic acid residue is highly conserved and there is a moderate physicochemical difference between glutamic acid and alanine.